The following is an entry in ClinVar:

NM_006648.4(WNK2):c.3005C>G (p.Pro1002Arg)

Gene: WNK2 (WNK lysine deficient protein kinase 2; plus strand). Cytogenetic location: 9q22.31.
Variant type: single nucleotide variant.
Coding change: c.3005C>G on transcript NM_006648.4 (MANE Select); coding-DNA position 3005, C replaced by G.
Protein change: p.Pro1002Arg; replaces proline 1002 with arginine.
Molecular consequence: missense variant.
Genome position (GRCh38, 1-based): chr9:93,259,553, C>G. VCF-style: chr9-93259553-C-G. GRCh37 (hg19) VCF-style: chr9-96021835-C-G.
Other names: c.3005C>G, p.Pro1002Arg (NM_001282394.3); short protein forms P1002R.
Identifiers: ClinVar variation 3817207 (VCV003817207.1).

ClinVar aggregate classification (germline): Uncertain significance (1 of 4 stars; one submission).

gnomAD v4.1: 1 of 1,594,782 alleles (0.000063%); no homozygotes.

Submission:

Ambry Genetics
Classification: Uncertain significance. Last evaluated: 2025-03-03. Review status: criteria provided, single submitter. Criteria: Ambry Variant Classification Scheme 2023. Collection method: clinical testing. Allele origin: germline.
Comment: The p.P1002R variant (also known as c.3005C>G), located in coding exon 11 of the WNK2 gene, results from a C to G substitution at nucleotide position 3005. The proline at codon 1002 is replaced by arginine, an amino acid with dissimilar properties. This amino acid position is conserved. In addition, this alteration is predicted to be tolerated by in silico analysis. Based on the available evidence, the clinical significance of this variant remains unclear.